The following is an entry in ClinVar:

NM_015909.4(NBAS):c.*1G>A

Gene: NBAS (NBAS subunit of NRZ tethering complex; minus strand). Cytogenetic location: 2p24.3.
Variant type: single nucleotide variant.
Coding change: c.*1G>A on transcript NM_015909.4 (MANE Select); 1 bases downstream of the stop codon, G replaced by A.
Molecular consequence: 3 prime UTR variant. On other transcripts: non-coding transcript variant (1).
Genome position (GRCh38, 1-based): chr2:15,167,047, C>T on the plus strand (G>A on the coding strand, the complement: NBAS is on the minus strand). VCF-style: chr2-15167047-C-T. GRCh37 (hg19) VCF-style: chr2-15307171-C-T.
Other names: c.*1G>A (NM_015909.3).
Identifiers: ClinVar variation 4684475 (VCV004684475.2).
Genomic context (GRCh38, chr2:15,167,047, plus strand): 5'-CTGGGAACAGCATTCAACTCCAGATGCTTTTTCTGCTAAGGAGCAGGGCCACAGGTGGCC[C>T]TCACACCCAGTGCTGTGCTGCGCGGAGGGCTGTACTGAAGGTTCTGAAGGCCTGGTGAGT-3'

ClinVar aggregate classification (germline): Conflicting classifications of pathogenicity. Review status: criteria provided, conflicting classifications (1 of 4 stars). 2 submissions from 2 submitters: Uncertain significance (1); Likely benign (1). Last evaluated 2026-06-24.

Conditions:
NBAS-related disorder. Also called: NBAS-related condition.

gnomAD v4.1: 76 of 1,545,806 alleles (0.0049%); highest among the groups gnomAD compares: African/African-American, 0.1%; no homozygotes.

Submissions (2):

PreventionGenetics, part of Exact Sciences
Classification: Uncertain significance for NBAS-related condition. Last evaluated: 2026-06-24. Review status: criteria provided, single submitter. Criteria: ACMG Guidelines, 2015. Collection method: clinical testing. Allele origin: germline.
Comment: The NBAS c.*1G>A variant is located in the 3' untranslated region. To our knowledge, this variant has not been reported in the literature. This variant is reported in 0.083% of alleles in individuals of African descent in gnomAD. Although we suspect that this variant may be benign, at this time, the clinical significance of this variant is uncertain due to the absence of conclusive functional and genetic evidence.

Mayo Clinic Laboratories, Mayo Clinic
Classification: Likely benign. Last evaluated: 2024-10-18. Review status: criteria provided, single submitter. Criteria: ACMG Guidelines, 2015. Collection method: clinical testing. Allele origin: germline. Observed: 2 variant alleles.
Comment: BP7, PM2_moderate